The following is an entry in ClinVar:

NM_031844.3(HNRNPU):c.1477G>A (p.Glu493Lys)

Gene: HNRNPU (heterogeneous nuclear ribonucleoprotein U; minus strand). Cytogenetic location: 1q44.
Variant type: single nucleotide variant.
Coding change: c.1477G>A on transcript NM_031844.3 (MANE Select); coding-DNA position 1477, G replaced by A.
Protein change: p.Glu493Lys; replaces glutamic acid 493 with lysine.
Molecular consequence: missense variant.
Genome position (GRCh38, 1-based): chr1:244,858,028, C>T on the plus strand (G>A on the coding strand, the complement: HNRNPU is on the minus strand). VCF-style: chr1-244858028-C-T. GRCh37 (hg19) VCF-style: chr1-245021330-C-T.
Other names: c.1420G>A, p.Glu474Lys (NM_004501.3); short protein forms E493K, E474K.
Identifiers: ClinVar variation 532555 (VCV000532555.9), dbSNP rs1233558404, ClinGen allele CA345491359.

ClinVar aggregate classification (germline): Uncertain significance (1 of 4 stars; one submission).

Conditions:
Developmental and epileptic encephalopathy, 54. Also called: Epileptic encephalopathy, early infantile, 54; HNRNPU-Related Neurodevelopmental Disorder. Identifiers: MedGen C4479319, MONDO:0033363, OMIM 617391.

Allele frequency attached by ClinVar (database versions not stated): gnomAD exomes below 0.00001; TOPMed 0.00001.
gnomAD v4.1: 1 of 1,608,890 alleles (0.000062%); highest among the groups gnomAD compares: Non-Finnish European, 0.000085%; no homozygotes.

Submission:

Labcorp Genetics (formerly Invitae), Labcorp
Classification: Uncertain significance for Developmental and epileptic encephalopathy, 54. Last evaluated: 2024-12-30. Review status: criteria provided, single submitter. Criteria: Invitae Variant Classification Sherloc (09022015). Collection method: clinical testing. Allele origin: germline.
Comment: This sequence change replaces glutamic acid, which is acidic and polar, with lysine, which is basic and polar, at codon 493 of the HNRNPU protein (p.Glu493Lys). This variant is not present in population databases (gnomAD no frequency). This variant has not been reported in the literature in individuals affected with HNRNPU-related conditions. ClinVar contains an entry for this variant (Variation ID: 532555). Invitae Evidence Modeling of protein sequence and biophysical properties (such as structural, functional, and spatial information, amino acid conservation, physicochemical variation, residue mobility, and thermodynamic stability) indicates that this missense variant is not expected to disrupt HNRNPU protein function with a negative predictive value of 95%. In summary, the available evidence is currently insufficient to determine the role of this variant in disease. Therefore, it has been classified as a Variant of Uncertain Significance.